The following is an entry in ClinVar:

NM_080680.3(COL11A2):c.560G>A (p.Gly187Glu)

Gene: COL11A2 (collagen type XI alpha 2 chain; minus strand). Cytogenetic location: 6p21.32.
Variant type: single nucleotide variant.
Coding change: c.560G>A on transcript NM_080680.3 (MANE Select); coding-DNA position 560, G replaced by A.
Protein change: p.Gly187Glu; replaces glycine 187 with glutamic acid.
Molecular consequence: missense variant. On other transcripts: 5 prime UTR variant (3), non-coding transcript variant (1).
Genome position (GRCh38, 1-based): chr6:33,188,408, C>T on the plus strand (G>A on the coding strand, the complement: COL11A2 is on the minus strand). VCF-style: chr6-33188408-C-T. GRCh37 (hg19) VCF-style: chr6-33156185-C-T.
Other names: c.560G>A (NM_080680.2); c.560G>A, p.Gly187Glu (NM_001163771.2, NM_001424108.1, NM_080679.3 and 1 more transcripts); c.-287G>A (NM_001424109.1, NM_001424110.1, NM_001424111.1); short protein forms G187E.
Identifiers: ClinVar variation 4891596 (VCV004891596.2).

ClinVar aggregate classification (germline): Uncertain significance. Review status: criteria provided, multiple submitters, no conflicts (2 of 4 stars). 2 submissions from 2 submitters: Uncertain significance (2). Last evaluated 2024-12-13.

Conditions:
COL11A2-related disorder. Also called: COL11A2-related condition; COL11A2-related disorders.

Submissions (2):

PreventionGenetics, part of Exact Sciences
Classification: Uncertain significance for COL11A2-related condition. Last evaluated: 2024-12-13. Review status: criteria provided, single submitter. Criteria: ACMG Guidelines, 2015. Collection method: clinical testing. Allele origin: germline.
Comment: The COL11A2 c.560G>A variant is predicted to result in the amino acid substitution p.Gly187Glu. To our knowledge, this variant has not been reported in the literature or in a large population database (gnomAD), indicating this variant is rare. At this time, the clinical significance of this variant is uncertain due to the absence of conclusive functional and genetic evidence.

Blueprint Genetics
Classification: Uncertain significance. Last evaluated: 2023-08-24. Review status: criteria provided, single submitter. Criteria: ACMG Guidelines, 2015. Collection method: clinical testing. Allele origin: germline.